The following is an entry in ClinVar:

ClinVar aggregate classification (germline): Pathogenic. Review status: criteria provided, multiple submitters, no conflicts (2 of 4 stars). 2 submissions from 2 submitters: Pathogenic (2). Last evaluated 2024-07-05.

Conditions:
Congenital myasthenic syndrome (CMS). Also called: Congenital Myasthenic Syndromes. Identifiers: Orphanet 590, MedGen C0751882, MeSH D020294, MONDO:0018940.
Congenital myasthenic syndrome 4A. Also called: Myasthenic syndrome, congenital, 4a, slow-channel; CONGENITAL MYASTHENIC SYNDROME TYPE Ia1; MYASTHENIC SYNDROME, CONGENITAL, 4A, SLOW-CHANNEL, AUTOSOMAL RECESSIVE. Identifiers: Orphanet 590, MedGen C4225413, MONDO:0011600, OMIM 605809.

Submissions (2):

Myriad Genetics, Inc.
Classification: Pathogenic for Congenital myasthenic syndrome. Last evaluated: 2024-07-05. Review status: criteria provided, single submitter. Criteria: Myriad Autosomal Dominant, Autosomal Recessive and X-Linked Classification Criteria (2023). Collection method: clinical testing. Allele origin: unknown.
Comment: NM_000080.3(CHRNE):c.318G>A(W106*) is expected to be pathogenic in the context of congenital myasthenic syndrome, CHRNE-related. This variant is predicted to lead to an abnormal or absent protein product due to the creation of a premature termination codon in CHRNE, a gene where loss-of-function variants are known to be pathogenic. Please note: this variant was assessed in the context of healthy population screening.

Labcorp Genetics (formerly Invitae), Labcorp
Classification: Pathogenic for Congenital myasthenic syndrome 4A. Last evaluated: 2022-12-26. Review status: criteria provided, single submitter. Criteria: Invitae Variant Classification Sherloc (09022015). Collection method: clinical testing. Allele origin: germline.
Comment: For these reasons, this variant has been classified as Pathogenic. This variant has not been reported in the literature in individuals affected with CHRNE-related conditions. This variant is not present in population databases (gnomAD no frequency). This sequence change creates a premature translational stop signal (p.Trp106*) in the CHRNE gene. It is expected to result in an absent or disrupted protein product. Loss-of-function variants in CHRNE are known to be pathogenic (PMID: 22678886).

Literature cited by the submitters: PubMed 22678886 (cited by Labcorp Genetics (formerly Invitae), Labcorp).

NM_000080.4(CHRNE):c.318G>A (p.Trp106Ter)

Genes: C17orf107 (chromosome 17 open reading frame 107; plus strand), CHRNE (cholinergic receptor nicotinic epsilon subunit; minus strand). Cytogenetic location: 17p13.2.
Variant type: single nucleotide variant.
Coding change: c.318G>A on transcript NM_000080.4 (MANE Select); coding-DNA position 318, G replaced by A.
Protein change: p.Trp106Ter; replaces tryptophan 106 with a stop codon.
Molecular consequence: nonsense. On other transcripts: 3 prime UTR variant (1).
Genome position (GRCh38, 1-based): chr17:4,902,243, C>T on the plus strand (G>A on the coding strand, the complement: CHRNE is on the minus strand). VCF-style: chr17-4902243-C-T. GRCh37 (hg19) VCF-style: chr17-4805538-C-T.
Other names: c.*1710C>T (NM_001145536.2); short protein forms W106*.
Identifiers: ClinVar variation 2824444 (VCV002824444.4), dbSNP rs2507561429, ClinGen allele CA397306967.